The following is an entry in ClinVar:

ClinVar aggregate classification (germline): Likely benign (1 of 4 stars; one submission).

Allele frequency attached by ClinVar (database versions not stated): 1000 Genomes Project 0.00879; 1000 Genomes Project 30x 0.00906; gnomAD 0.00966 and 0.01043; TOPMed 0.01070.
gnomAD v4.1: 1,450 of 151,648 alleles (0.96%); highest among the groups gnomAD compares: African/African-American, 3.4%; 27 homozygotes.

Submission:

GeneDx
Classification: Likely benign. Last evaluated: 2018-06-16. Review status: criteria provided, single submitter. Criteria: GeneDx Variant Classification (06012015). Collection method: clinical testing. Allele origin: germline. Affected: yes.
Comment: This variant is considered likely benign or benign based on one or more of the following criteria: it is a conservative change, it occurs at a poorly conserved position in the protein, it is predicted to be benign by multiple in silico algorithms, and/or has population frequency not consistent with disease.

NM_000090.4(COL3A1):c.334-175G>A

Gene: COL3A1 (collagen type III alpha 1 chain; plus strand). Cytogenetic location: 2q32.2.
Variant type: single nucleotide variant.
Coding change: c.334-175G>A on transcript NM_000090.4 (MANE Select); 175 bases into the intron before coding-DNA position 334, G replaced by A.
Molecular consequence: intron variant.
Genome position (GRCh38, 1-based): chr2:188,985,490, G>A. VCF-style: chr2-188985490-G-A. GRCh37 (hg19) VCF-style: chr2-189850216-G-A.
Identifiers: ClinVar variation 675731 (VCV000675731.1), dbSNP rs41272795, ClinGen allele CA62586018.